The following is an entry in ClinVar:

NM_001353345.2(SETD1B):c.4364G>A (p.Arg1455His)

Gene: SETD1B (SET domain containing 1B, histone lysine methyltransferase; plus strand). Cytogenetic location: 12q24.31.
Variant type: single nucleotide variant.
Coding change: c.4364G>A on transcript NM_001353345.2 (MANE Select); coding-DNA position 4364, G replaced by A.
Protein change: p.Arg1455His; replaces arginine 1455 with histidine.
Molecular consequence: missense variant.
Genome position (GRCh38, 1-based): chr12:121,822,943, G>A. VCF-style: chr12-121822943-G-A. GRCh37 (hg19) VCF-style: chr12-122260849-G-A.
Other names: NM_015048.1:c.4235G>A; short protein forms R1455H.
Identifiers: ClinVar variation 3053993 (VCV003053993.4), dbSNP rs150294509, ClinGen allele CA6839173.

ClinVar aggregate classification (germline): Likely benign. Review status: criteria provided, multiple submitters, no conflicts (2 of 4 stars). 3 submissions from 3 submitters: Likely benign (2). 1 of the submissions does not count toward it. Last evaluated 2025-04-11.

Conditions:
SETD1B-related disorder. Also called: SETD1B-related condition.
Inborn genetic diseases. Identifiers: MedGen C0950123, MeSH D030342.

Allele frequency attached by ClinVar (database versions not stated): TOPMed 0.00008; gnomAD 0.00012; gnomAD exomes 0.00031; 1000 Genomes Project 30x 0.00094; 1000 Genomes Project 0.00100.
gnomAD v4.1: 428 of 1,537,380 alleles (0.028%); highest among the groups gnomAD compares: East Asian, 0.89%; 5 homozygotes.

Submissions (3):

Ambry Genetics
Classification: Likely benign for Inborn genetic diseases. Last evaluated: 2025-04-11. Review status: criteria provided, single submitter. Criteria: Ambry Variant Classification Scheme 2023. Collection method: clinical testing. Allele origin: germline.

Blueprint Genetics
Classification: Likely benign. Last evaluated: 2020-10-30. Review status: criteria provided, single submitter. Criteria: ACMG Guidelines, 2015. Collection method: clinical testing. Allele origin: germline.

PreventionGenetics, part of Exact Sciences
Classification: Likely benign for SETD1B-related condition. Last evaluated: 2022-09-21. Review status: no assertion criteria provided. Collection method: clinical testing. Allele origin: germline. Not counted in ClinVar's aggregate classification.
Comment: This variant is classified as likely benign based on ACMG/AMP sequence variant interpretation guidelines (Richards et al. 2015 PMID: 25741868, with internal and published modifications).